The following is an entry in ClinVar:

NM_198576.4(AGRN):c.5050_5052del (p.Thr1684del)

Gene: AGRN (agrin; plus strand). Cytogenetic location: 1p36.33.
Variant type: Deletion.
Coding change: c.5050_5052del on transcript NM_198576.4 (MANE Select); coding-DNA positions 5050 to 5052, 3 bases deleted (ACG; older notation c.5050_5052delACG).
Protein change: p.Thr1684del; deletes threonine 1684.
Molecular consequence: inframe deletion.
Genome position (GRCh38, 1-based): chr1:1,050,500-1,050,502, ACG deleted; deleting any 3 consecutive bases within chr1:1,050,499-1,050,502 gives the same sequence; the c. name uses the placement nearest the transcript's 3' end. VCF-style (leftmost placement, unchanged base first): chr1-1050498-AGAC-A. GRCh37 (hg19) VCF-style: chr1-985878-AGAC-A.
Other names: c.5050_5052del, p.Thr1684del (NM_001305275.2); c.4735_4737del, p.Thr1579del (NM_001364727.2); short protein forms T1684del, T1579del.
Identifiers: ClinVar variation 1476974 (VCV001476974.6), dbSNP rs765397453, ClinGen allele CA509830.
Genomic context (GRCh38, chr1:1,050,498, plus strand): 5'-CGCTGGAGGTCGTGTTCCTGGCACGAGGCCCCAGCGGCCTCCTGCTCTACAACGGGCAGA[AGAC>A]GGACGGCAAGGGGGACTTCGTGTCGCTGGCACTGCGGGACCGCCGCCTGGAGTTCCGCTA-3'

ClinVar aggregate classification (germline): Uncertain significance (1 of 4 stars; one submission).

Conditions:
Congenital myasthenic syndrome 8. Also called: MYASTHENIC SYNDROME, CONGENITAL, DUE TO AGRIN DEFICIENCY; Myasthenic syndrome, congenital, 8, with pre- and postsynaptic defects. Identifiers: Orphanet 590, MedGen C3808739, MONDO:0014052, OMIM 615120.

Submission:

Labcorp Genetics (formerly Invitae), Labcorp
Classification: Uncertain significance for Congenital myasthenic syndrome 8. Last evaluated: 2021-08-13. Review status: criteria provided, single submitter. Criteria: Invitae Variant Classification Sherloc (09022015). Collection method: clinical testing. Allele origin: germline.
Comment: This variant, c.5050_5052del, results in the deletion of 1 amino acid(s) of the AGRN protein (p.Thr1684del), but otherwise preserves the integrity of the reading frame. This variant is present in population databases (rs765397453, ExAC 0.03%). This variant has not been reported in the literature in individuals affected with AGRN-related conditions. Experimental studies and prediction algorithms are not available or were not evaluated, and the functional significance of this variant is currently unknown. In summary, the available evidence is currently insufficient to determine the role of this variant in disease. Therefore, it has been classified as a Variant of Uncertain Significance.